The following is an entry in ClinVar:

NM_021930.6(RINT1):c.1893G>T (p.Leu631Phe)

Genes: EFCAB10 (EF-hand calcium binding domain 10; minus strand), RINT1 (RAD50 interactor 1; plus strand). Cytogenetic location: 7q22.3.
Variant type: single nucleotide variant.
Coding change: c.1893G>T on transcript NM_021930.6 (MANE Select); coding-DNA position 1893, G replaced by T.
Protein change: p.Leu631Phe; replaces leucine 631 with phenylalanine.
Molecular consequence: missense variant. On other transcripts: 3 prime UTR variant (3), non-coding transcript variant (1).
Genome position (GRCh38, 1-based): chr7:105,565,283, G>T. VCF-style: chr7-105565283-G-T. GRCh37 (hg19) VCF-style: chr7-105205730-G-T.
Other names: c.*164C>A (NM_001355526.2); c.*266C>A (NM_001355530.2); c.*119C>A (NM_001355531.2); c.1659G>T, p.Leu553Phe (NM_001346599.2); c.870G>T, p.Leu290Phe (NM_001346600.2, NM_001346603.2); c.969G>T, p.Leu323Phe (NM_001346601.2); short protein forms L323F, L290F, L553F, L631F.
Identifiers: ClinVar variation 4154579 (VCV004154579.1).

ClinVar aggregate classification (germline): Uncertain significance (1 of 4 stars; one submission).

Submission:

Ambry Genetics
Classification: Uncertain significance. Last evaluated: 2025-08-20. Review status: criteria provided, single submitter. Criteria: Ambry Variant Classification Scheme 2023. Collection method: clinical testing. Allele origin: germline.
Comment: The p.L631F variant (also known as c.1893G>T), located in coding exon 13 of the RINT1 gene, results from a G to T substitution at nucleotide position 1893. The leucine at codon 631 is replaced by phenylalanine, an amino acid with highly similar properties. This amino acid position is conserved. In addition, this alteration is predicted to be tolerated by in silico analysis. Based on the available evidence, the clinical significance of this variant remains unclear.